The following is an entry in ClinVar:

NM_001166114.2(PNPLA6):c.3668_3669insTT (p.Met1224fs)

Gene: PNPLA6 (patatin like domain 6, lysophospholipase; plus strand). Cytogenetic location: 19p13.2.
Variant type: Insertion.
Coding change: c.3668_3669insTT on transcript NM_001166114.2 (MANE Select); coding-DNA positions 3668 to 3669, TT inserted.
Protein change: p.Met1224fs; shifts the reading frame from methionine 1224.
Molecular consequence: frameshift variant.
Genome position: GRCh38 VCF-style: chr19-7559120-C-CTT. GRCh37 (hg19) VCF-style: chr19-7624006-C-CTT.
Other names: c.3698_3699insTT, p.Met1234fs (NM_001166111.2); c.3473_3474insTT, p.Met1159fs (NM_001166112.2); c.3554_3555insTT, p.Met1186fs (NM_001166113.1, NM_006702.5); short protein forms M1186fs, M1234fs, M1224fs, M1159fs.
Identifiers: ClinVar variation 2130720 (VCV002130720.4), dbSNP rs2512571754, ClinGen allele CA2580097096.

ClinVar aggregate classification (germline): Pathogenic (1 of 4 stars; one submission).

Conditions:
Hereditary spastic paraplegia 39 (SPG39). Also called: Spastic Paraplegia Type 39 (SPG39); SPASTIC PARAPLEGIA 39, AUTOSOMAL RECESSIVE. Identifiers: Orphanet 139480, MedGen C2677586, MONDO:0012787, OMIM 612020.

Submission:

Labcorp Genetics (formerly Invitae), Labcorp
Classification: Pathogenic for Hereditary spastic paraplegia 39. Last evaluated: 2022-09-01. Review status: criteria provided, single submitter. Criteria: Invitae Variant Classification Sherloc (09022015). Collection method: clinical testing. Allele origin: germline.
Comment: This sequence change creates a premature translational stop signal (p.Met1186Serfs*89) in the PNPLA6 gene. It is expected to result in an absent or disrupted protein product. Loss-of-function variants in PNPLA6 are known to be pathogenic (PMID: 24355708). For these reasons, this variant has been classified as Pathogenic. This variant has not been reported in the literature in individuals affected with PNPLA6-related conditions. This variant is not present in population databases (gnomAD no frequency).

Literature cited by the submitters: PubMed 24355708.